The following is an entry in ClinVar:

ClinVar aggregate classification (germline): Uncertain significance (1 of 4 stars; one submission).

Submission:

GeneDx
Classification: Uncertain significance. Last evaluated: 2024-02-27. Review status: criteria provided, single submitter. Criteria: GeneDx Variant Classification Process June 2021. Collection method: clinical testing. Allele origin: germline. Affected: yes.
Comment: Not observed at significant frequency in large population cohorts (gnomAD); In silico analysis supports that this missense variant does not alter protein structure/function; Has not been previously published as pathogenic or benign to our knowledge

NM_004247.4(EFTUD2):c.1466A>G (p.Gln489Arg)

Gene: EFTUD2 (elongation factor Tu GTP binding domain containing 2; minus strand). Cytogenetic location: 17q21.31.
Variant type: single nucleotide variant.
Coding change: c.1466A>G on transcript NM_004247.4 (MANE Select); coding-DNA position 1466, A replaced by G.
Protein change: p.Gln489Arg; replaces glutamine 489 with arginine.
Molecular consequence: missense variant.
Genome position (GRCh38, 1-based): chr17:44,862,854, T>C on the plus strand (A>G on the coding strand, the complement: EFTUD2 is on the minus strand). VCF-style: chr17-44862854-T-C. GRCh37 (hg19) VCF-style: chr17-42940222-T-C.
Other names: c.1361A>G, p.Gln454Arg (NM_001142605.2); c.1466A>G, p.Gln489Arg (NM_001258353.2); c.1436A>G, p.Gln479Arg (NM_001258354.2); short protein forms Q454R, Q479R, Q489R.
Identifiers: ClinVar variation 3369617 (VCV003369617.1).